The following is an entry in ClinVar:

ClinVar aggregate classification (germline): Uncertain significance. Review status: criteria provided, multiple submitters, no conflicts (2 of 4 stars). 2 submissions from 2 submitters: Uncertain significance (2). Last evaluated 2021-10-12.

Conditions:
Inborn genetic diseases. Identifiers: MedGen C0950123, MeSH D030342.
Developmental and epileptic encephalopathy, 9 (DEE9). Also called: Early infantile epileptic encephalopathy 9; EPILEPSY, FEMALE-RESTRICTED, WITH MENTAL RETARDATION; JUBERG-HELLMAN SYNDROME; PCDH19-Related X-Linked Female-Limited Epilepsy with Mental Retardation. Identifiers: Orphanet 101039, Orphanet 2076, MedGen C1848137, MONDO:0010246, OMIM 300088. Disease mechanism: loss of function.

Allele frequency attached by ClinVar (database versions not stated): gnomAD exomes below 0.00001 and 0.00001; gnomAD 0.00001; TOPMed 0.00001.
gnomAD v4.1: 6 of 1,208,367 alleles (0.0005%); highest among the groups gnomAD compares: Non-Finnish European, 0.00067%; no homozygotes.

Submissions (2):

Labcorp Genetics (formerly Invitae), Labcorp
Classification: Uncertain significance for Developmental and epileptic encephalopathy, 9. Last evaluated: 2021-10-12. Review status: criteria provided, single submitter. Criteria: Invitae Variant Classification Sherloc (09022015). Collection method: clinical testing. Allele origin: germline.
Comment: This sequence change replaces valine with isoleucine at codon 801 of the PCDH19 protein (p.Val801Ile). The valine residue is highly conserved and there is a small physicochemical difference between valine and isoleucine. This variant is not present in population databases (ExAC no frequency). This variant has not been reported in the literature in individuals affected with PCDH19-related conditions. Algorithms developed to predict the effect of missense changes on protein structure and function are either unavailable or do not agree on the potential impact of this missense change (SIFT: "Deleterious"; PolyPhen-2: "Benign"; Align-GVGD: "Class C0"). In summary, the available evidence is currently insufficient to determine the role of this variant in disease. Therefore, it has been classified as a Variant of Uncertain Significance.

Ambry Genetics
Classification: Uncertain significance for Inborn genetic diseases. Last evaluated: 2017-06-21. Review status: criteria provided, single submitter. Criteria: Ambry Variant Classification Scheme 2023. Collection method: clinical testing. Allele origin: germline.
Comment: The p.V801I variant (also known as c.2401G>A), located in coding exon 3 of the PCDH19 gene, results from a G to A substitution at nucleotide position 2401. The valine at codon 801 is replaced by isoleucine, an amino acid with highly similar properties. This amino acid position is highly conserved in available vertebrate species. In addition, this alteration is predicted to be tolerated by in silico analysis. Since supporting evidence is limited at this time, the clinical significance of this alteration remains unclear.

NM_001184880.2(PCDH19):c.2401G>A (p.Val801Ile)

Genes: PCDH19 (protocadherin 19; minus strand), LOC125467768 (CDK7 strongly-dependent group 2 enhancer GRCh37_chrX:99657381-99658580; plus strand). Cytogenetic location: Xq22.1.
Variant type: single nucleotide variant.
Coding change: c.2401G>A on transcript NM_001184880.2 (MANE Select); coding-DNA position 2401, G replaced by A.
Protein change: p.Val801Ile; replaces valine 801 with isoleucine.
Molecular consequence: missense variant.
Genome position (GRCh38, 1-based): chrX:100,402,739, C>T on the plus strand (G>A on the coding strand, the complement: PCDH19 is on the minus strand). VCF-style: chrX-100402739-C-T. GRCh37 (hg19) VCF-style: chrX-99657737-C-T.
Other names: c.2260G>A, p.Val754Ile (NM_001105243.2, NM_020766.3); short protein forms V754I, V801I.
Identifiers: ClinVar variation 1021567 (VCV001021567.9), dbSNP rs973886559, ClinGen allele CA333825804.
Genomic context (GRCh38, chrX:100,402,739, plus strand): 5'-GCGTCTGCTGGTGGTAGTCAAAATAGTTGAGGGAGGAGGTCAGGGAAGAGCAACTGACAA[C>T]GTTCATCTTGTCTGTCTCCTCCACATCCCGGGGTACCAGGCGGATGTCATTCTTACTGAT-3'
Protein context (NP_001171809.1, residues 791-811): RDVEETDKMN[Val801Ile]VSCSSLTSSL